The following is an entry in ClinVar:

NM_016180.5(SLC45A2):c.1417G>A (p.Gly473Ser)

Gene: SLC45A2 (solute carrier family 45 member 2; minus strand). Cytogenetic location: 5p13.2.
Variant type: single nucleotide variant.
Coding change: c.1417G>A on transcript NM_016180.5 (MANE Select); coding-DNA position 1417, G replaced by A.
Protein change: p.Gly473Ser; replaces glycine 473 with serine.
Molecular consequence: missense variant.
Genome position (GRCh38, 1-based): chr5:33,944,824, C>T on the plus strand (G>A on the coding strand, the complement: SLC45A2 is on the minus strand). VCF-style: chr5-33944824-C-T. GRCh37 (hg19) VCF-style: chr5-33944929-C-T.
Other names: short protein forms G473S.
Identifiers: ClinVar variation 1350360 (VCV001350360.6), dbSNP rs1265551870, ClinGen allele CA359387415.

ClinVar aggregate classification (germline): Uncertain significance (1 of 4 stars; one submission).

Allele frequency attached by ClinVar (database versions not stated): gnomAD exomes 0.00002; TOPMed 0.00003; 1000 Genomes Project 30x 0.00031; gnomAD 0.00005.
gnomAD v4.1: 46 of 1,614,122 alleles (0.0028%); highest among the groups gnomAD compares: African/African-American, 0.0093%; no homozygotes.

Submission:

Labcorp Genetics (formerly Invitae), Labcorp
Classification: Uncertain significance. Last evaluated: 2026-01-26. Review status: criteria provided, single submitter. Criteria: Invitae Variant Classification Sherloc (09022015). Collection method: clinical testing. Allele origin: germline.
Comment: This sequence change replaces glycine, which is neutral and non-polar, with serine, which is neutral and polar, at codon 473 of the SLC45A2 protein (p.Gly473Ser). This variant is present in population databases (no rsID available, gnomAD 0.01%). This variant has not been reported in the literature in individuals affected with SLC45A2-related conditions. ClinVar contains an entry for this variant (Variation ID: 1350360). Invitae Evidence Modeling of protein sequence and biophysical properties (such as structural, functional, and spatial information, amino acid conservation, physicochemical variation, residue mobility, and thermodynamic stability) indicates that this missense variant is expected to disrupt SLC45A2 protein function with a positive predictive value of 80%. In summary, the available evidence is currently insufficient to determine the role of this variant in disease. Therefore, it has been classified as a Variant of Uncertain Significance.